The following is an entry in ClinVar:

ClinVar aggregate classification (germline): Uncertain significance. Review status: criteria provided, multiple submitters, no conflicts (2 of 4 stars). 2 submissions from 2 submitters: Uncertain significance (2). Last evaluated 2026-02-03.

Conditions:
Hereditary spastic paraplegia 30. Identifiers: Orphanet 101010, MedGen C5235139, MONDO:0012476.
Neuropathy, hereditary sensory, type 2C. Also called: Hereditary sensory and autonomic neuropathy type IIC; KIF1A-Related HSAN2 (HSAN2C). Identifiers: Orphanet 970, MedGen C3280168, MONDO:0013634, OMIM 614213.
Intellectual disability, autosomal dominant 9 (NESCAVS). Also called: KIF1A-Related Neurodevelopmental Disorder; NESCAV SYNDROME. Identifiers: Orphanet 662367, MedGen C5393830, MONDO:0013656, OMIM 614255.
KIF1A-related disorder. Also called: KIF1A-related disorders; KIF1A-related condition.

Allele frequency attached by ClinVar (database versions not stated): TOPMed below 0.00001.

Submissions (2):

PreventionGenetics, part of Exact Sciences
Classification: Uncertain significance for KIF1A-related condition. Last evaluated: 2026-02-03. Review status: criteria provided, single submitter. Criteria: ACMG Guidelines, 2015. Collection method: clinical testing. Allele origin: germline.
Comment: The KIF1A c.3203C>G variant is predicted to result in the amino acid substitution p.Ala1068Gly. To our knowledge, this variant has not been reported in the literature or in a large population database (gnomAD), indicating this variant is rare. At this time, the clinical significance of this variant is uncertain due to the absence of conclusive functional and genetic evidence.

Labcorp Genetics (formerly Invitae), Labcorp
Classification: Uncertain significance for Hereditary spastic paraplegia 30; Neuropathy, hereditary sensory, type 2C; Intellectual disability, autosomal dominant 9. Last evaluated: 2025-06-02. Review status: criteria provided, single submitter. Criteria: Invitae Variant Classification Sherloc (09022015). Collection method: clinical testing. Allele origin: germline.
Comment: This sequence change replaces alanine, which is neutral and non-polar, with glycine, which is neutral and non-polar, at codon 967 of the KIF1A protein (p.Ala967Gly). This variant is not present in population databases (gnomAD no frequency). This variant has not been reported in the literature in individuals affected with KIF1A-related conditions. ClinVar contains an entry for this variant (Variation ID: 2936825). An algorithm developed to predict the effect of missense changes on protein structure and function (PolyPhen-2) suggests that this variant is likely to be tolerated. In summary, the available evidence is currently insufficient to determine the role of this variant in disease. Therefore, it has been classified as a Variant of Uncertain Significance.

NM_001244008.2(KIF1A):c.3203C>G (p.Ala1068Gly)

Gene: KIF1A (kinesin family member 1A; minus strand). Cytogenetic location: 2q37.3.
Variant type: single nucleotide variant.
Coding change: c.3203C>G on transcript NM_001244008.2 (MANE Select); coding-DNA position 3203, C replaced by G.
Protein change: p.Ala1068Gly; replaces alanine 1068 with glycine.
Molecular consequence: missense variant. On other transcripts: intron variant (1).
Genome position (GRCh38, 1-based): chr2:240,745,909, G>C on the plus strand (C>G on the coding strand, the complement: KIF1A is on the minus strand). VCF-style: chr2-240745909-G-C. GRCh37 (hg19) VCF-style: chr2-241685326-G-C.
Other names: c.2900C>G, p.Ala967Gly (NM_004321.8, NM_001379654.1, NM_001379636.1 and 6 more transcripts); c.2900-3C>G (NM_001379640.1); c.2927C>G, p.Ala976Gly (NM_001320705.2, NM_001330289.2, NM_001379638.1); c.3002C>G, p.Ala1001Gly (NM_001330290.2, NM_001379634.1, NM_001379635.1 and 1 more transcripts); c.3278C>G, p.Ala1093Gly (NM_001379631.1); c.3152C>G, p.Ala1051Gly (NM_001379632.1); c.3176C>G, p.Ala1059Gly (NM_001379633.1, NM_001379642.1, NM_001379645.1); c.2975C>G, p.Ala992Gly (NM_001379637.1, NM_001379648.1); short protein forms A1001G, A1059G, A992G, A1051G, A967G, A976G, A1068G, A1093G.
Identifiers: ClinVar variation 2936825 (VCV002936825.4), dbSNP rs1445939913, ClinGen allele CA351318731.
Genomic context (GRCh38, chr2:240,745,909, plus strand): 5'-AGGGGCCCATCCAGGGCGGCTTTCTCAGAGCTGTCTAGGAGGAGGCCTTCTGGGGGCACT[G>C]CTGCTGGGAGTCAAGGAGAGAGTCATGGACCTCCAGGCCATATTGTCTTCCAGCCACAGG-3'
Protein context (NP_001230937.1, residues 1058-1078): ADEVNNNTCS[Ala1068Gly]VPPEGLLLDS